The following is an entry in ClinVar:

NM_001042631.3(SDHAF1):c.20T>C (p.Leu7Pro)

Gene: SDHAF1 (succinate dehydrogenase complex assembly factor 1; plus strand). Cytogenetic location: 19q13.12.
Variant type: single nucleotide variant.
Coding change: c.20T>C on transcript NM_001042631.3 (MANE Select); coding-DNA position 20, T replaced by C.
Protein change: p.Leu7Pro; replaces leucine 7 with proline.
Molecular consequence: missense variant.
Genome position (GRCh38, 1-based): chr19:35,995,294, T>C. VCF-style: chr19-35995294-T-C. GRCh37 (hg19) VCF-style: chr19-36486196-T-C.
Other names: short protein forms L7P.
Identifiers: ClinVar variation 1976923 (VCV001976923.5), dbSNP rs2514019750, ClinGen allele CA405422772.

ClinVar aggregate classification (germline): Uncertain significance (1 of 4 stars; one submission).

Submission:

Labcorp Genetics (formerly Invitae), Labcorp
Classification: Uncertain significance. Last evaluated: 2024-11-11. Review status: criteria provided, single submitter. Criteria: Invitae Variant Classification Sherloc (09022015). Collection method: clinical testing. Allele origin: germline.
Comment: This sequence change replaces leucine, which is neutral and non-polar, with proline, which is neutral and non-polar, at codon 7 of the SDHAF1 protein (p.Leu7Pro). This variant is not present in population databases (gnomAD no frequency). This variant has not been reported in the literature in individuals affected with SDHAF1-related conditions. ClinVar contains an entry for this variant (Variation ID: 1976923). An algorithm developed to predict the effect of missense changes on protein structure and function (PolyPhen-2) suggests that this variant is likely to be disruptive. In summary, the available evidence is currently insufficient to determine the role of this variant in disease. Therefore, it has been classified as a Variant of Uncertain Significance.